The following is an entry in ClinVar:

NM_013296.5(GPSM2):c.-2C>T

Gene: GPSM2 (G protein signaling modulator 2; plus strand). Cytogenetic location: 1p13.3.
Variant type: single nucleotide variant.
Coding change: c.-2C>T on transcript NM_013296.5 (MANE Select); 2 bases upstream of the start codon, C replaced by T.
Molecular consequence: 5 prime UTR variant.
Genome position (GRCh38, 1-based): chr1:108,885,521, C>T. VCF-style: chr1-108885521-C-T. GRCh37 (hg19) VCF-style: chr1-109428143-C-T.
Other names: c.-2C>T (NM_001321039.3, NM_001321038.2).
Identifiers: ClinVar variation 179233 (VCV000179233.5), dbSNP rs727504726, ClinGen allele CA184020.

ClinVar aggregate classification (germline): Uncertain significance. Review status: criteria provided, multiple submitters, no conflicts (2 of 4 stars). 2 submissions from 2 submitters: Uncertain significance (2). Last evaluated 2025-05-06.

Allele frequency attached by ClinVar (database versions not stated): ExAC 0.00002; gnomAD 0.00003; gnomAD exomes 0.00001 and 0.00002; TOPMed 0.00003.

Submissions (2):

GeneDx
Classification: Uncertain significance. Last evaluated: 2025-05-06. Review status: criteria provided, single submitter. Criteria: GeneDx Variant Classification Process June 2021. Collection method: clinical testing. Allele origin: germline. Affected: yes.
Comment: Not observed at significant frequency in large population cohorts (gnomAD); Nucleotide is not conserved across species and the substitution has no predicted effect on splicing; Has not been previously published as pathogenic or benign to our knowledge; Alters the Kozak sequence, which plays a major role in the initiation of translation

Laboratory for Molecular Medicine, Mass General Brigham Personalized Medicine
Classification: Uncertain significance. Last evaluated: 2013-09-03. Review status: criteria provided, single submitter. Criteria: LMM Criteria. Collection method: clinical testing. Allele origin: germline. Observed: 1 variant allele.
Comment: Variant classified as Uncertain Significance - Favor Benign.